The following is an entry in ClinVar:

ClinVar aggregate classification (germline): Benign/Likely benign. Review status: criteria provided, multiple submitters, no conflicts (2 of 4 stars). 2 submissions from 2 submitters: Benign (1); Likely benign (1). Last evaluated 2024-04-03.

Conditions:
Familial adenomatous polyposis 1 (FAP1). Also called: POLYPOSIS, ADENOMATOUS INTESTINAL; FAMILIAL ADENOMATOUS POLYPOSIS 1, ATTENUATED. Identifiers: MedGen C2713442, MONDO:0021056, OMIM 175100. Disease mechanism: loss of function.

Submissions (2):

Myriad Genetics, Inc.
Classification: Benign for Familial adenomatous polyposis 1. Last evaluated: 2024-04-03. Review status: criteria provided, single submitter. Criteria: Myriad Autosomal Dominant, Autosomal Recessive and X-Linked Classification Criteria (2023). Collection method: clinical testing. Allele origin: unknown.
Comment: This variant is considered benign. This variant is a silent/synonymous amino acid change and it is not expected to impact splicing.

Labcorp Genetics (formerly Invitae), Labcorp
Classification: Likely benign for Familial adenomatous polyposis 1. Last evaluated: 2021-01-18. Review status: criteria provided, single submitter. Criteria: Invitae Variant Classification Sherloc (09022015). Collection method: clinical testing. Allele origin: germline.

NM_000038.6(APC):c.6048T>C (p.Asp2016=)

Gene: APC (APC regulator of Wnt signaling pathway; plus strand). Cytogenetic location: 5q22.2.
Variant type: single nucleotide variant.
Coding change: c.6048T>C on transcript NM_000038.6 (MANE Select); coding-DNA position 6048, T replaced by C.
Protein change: p.Asp2016=; no amino-acid change (aspartic acid 2016 retained).
Molecular consequence: synonymous variant.
Genome position (GRCh38, 1-based): chr5:112,841,642, T>C. VCF-style: chr5-112841642-T-C. GRCh37 (hg19) VCF-style: chr5-112177339-T-C.
Other names: c.6048T>C, p.Asp2016= (NM_001127510.3, NM_001354895.2); c.5994T>C, p.Asp1998= (NM_001127511.3); c.6102T>C, p.Asp2034= (NM_001354896.2); c.6078T>C, p.Asp2026= (NM_001354897.2); c.5973T>C, p.Asp1991= (NM_001354898.2); c.5964T>C, p.Asp1988= (NM_001354899.2); c.5925T>C, p.Asp1975= (NM_001354900.2); c.5871T>C, p.Asp1957= (NM_001354901.2); and 5 more.
Identifiers: ClinVar variation 1548955 (VCV001548955.9), dbSNP rs2149955691, ClinGen allele CA446210172.
Genomic context (GRCh38, chr5:112,841,642, plus strand): 5'-GGGAGAACCAAGTAAACCTCAAGCATCAGGCTATGCTCCTAAATCATTTCATGTTGAAGA[T>C]ACCCCAGTTTGTTTCTCAAGAAACAGTTCTCTCAGTTCTCTTAGTATTGACTCTGAAGAT-3'
Protein context (NP_000029.2, residues 2006-2026): GYAPKSFHVE[Asp2016=]TPVCFSRNSS